The following is an entry in ClinVar:

ClinVar aggregate classification (germline): Uncertain significance (1 of 4 stars; one submission).

Submission:

Labcorp Genetics (formerly Invitae), Labcorp
Classification: Uncertain significance. Last evaluated: 2022-06-15. Review status: criteria provided, single submitter. Criteria: Invitae Variant Classification Sherloc (09022015). Collection method: clinical testing. Allele origin: germline.
Comment: In summary, the available evidence is currently insufficient to determine the role of this variant in disease. Therefore, it has been classified as a Variant of Uncertain Significance. Algorithms developed to predict the effect of missense changes on protein structure and function are either unavailable or do not agree on the potential impact of this missense change (SIFT: "Deleterious"; PolyPhen-2: "Not Available"; Align-GVGD: "Class C0"). This variant has not been reported in the literature in individuals affected with CDH23-related conditions. This variant is not present in population databases (gnomAD no frequency). This sequence change replaces phenylalanine, which is neutral and non-polar, with leucine, which is neutral and non-polar, at codon 2663 of the CDH23 protein (p.Phe2663Leu).

NM_022124.6(CDH23):c.7989C>G (p.Phe2663Leu)

Genes: CDH23 (cadherin related 23; plus strand), LOC111982869 (Sharpr-MPRA regulatory region 2121; plus strand). Cytogenetic location: 10q22.1.
Variant type: single nucleotide variant.
Coding change: c.7989C>G on transcript NM_022124.6 (MANE Select); coding-DNA position 7989, C replaced by G.
Protein change: p.Phe2663Leu; replaces phenylalanine 2663 with leucine.
Molecular consequence: missense variant.
Genome position (GRCh38, 1-based): chr10:71,805,922, C>G. VCF-style: chr10-71805922-C-G. GRCh37 (hg19) VCF-style: chr10-73565679-C-G.
Other names: c.1269C>G, p.Phe423Leu (NM_001171933.1, NM_001171934.1); short protein forms F2663L, F423L.
Identifiers: ClinVar variation 1994063 (VCV001994063.4), dbSNP rs2132983779, ClinGen allele CA377162108.
Genomic context (GRCh38, chr10:71,805,922, plus strand): 5'-CCTCAACGGGGCGGTGCGCTACAGCTTCCTGAAGACTGCGGGCAACCGGGACTGGGAGTT[C>G]TTCATCATCGACCCAATCAGCGGCCTCATCCAGACTGCTCAGCGCCTGGACCGCGAGTCG-3'
Protein context (NP_071407.4, residues 2653-2673): LKTAGNRDWE[Phe2663Leu]FIIDPISGLI